The following is an entry in ClinVar:

ClinVar aggregate classification (germline): Uncertain significance (1 of 4 stars; one submission).

Allele frequency attached by ClinVar (database versions not stated): gnomAD exomes below 0.00001 and 0.00001; ExAC 0.00001.

Submissions (3):

GeneDx
Classification: Uncertain significance. Last evaluated: 2022-07-27. Review status: criteria provided, single submitter. Criteria: GeneDx Variant Classification Process June 2021. Collection method: clinical testing. Allele origin: germline. Affected: yes.
Comment: In silico analysis supports that this missense variant has a deleterious effect on protein structure/function; Has not been previously published as pathogenic or benign to our knowledge

Dr. Peter K. Rogan Lab, Western University
No classification provided (evidence only). Condition: Nonpapillary renal cell carcinoma. Review status: no classification provided. Collection method: in vitro. Allele origin: not applicable. Functional consequence: skipped exon. Not counted in ClinVar's aggregate classification.

Dr. Peter K. Rogan Lab, Western University
No classification provided (evidence only). Condition: Nonpapillary renal cell carcinoma. Review status: no classification provided. Collection method: in vitro. Allele origin: not applicable. Functional consequence: skipped exon. Not counted in ClinVar's aggregate classification.

NM_002024.6(FMR1):c.188A>G (p.Asp63Gly)

Gene: FMR1 (fragile X messenger ribonucleoprotein 1; plus strand). Cytogenetic location: Xq27.3.
Variant type: single nucleotide variant.
Coding change: c.188A>G on transcript NM_002024.6 (MANE Select); coding-DNA position 188, A replaced by G.
Protein change: p.Asp63Gly; replaces aspartic acid 63 with glycine.
Molecular consequence: missense variant. On other transcripts: non-coding transcript variant (2).
Genome position (GRCh38, 1-based): chrX:147,925,623, A>G. VCF-style: chrX-147925623-A-G. GRCh37 (hg19) VCF-style: chrX-147007141-A-G.
Other names: NC_000023.10:g.147007141A>G; c.188A>G, p.Asp63Gly (NM_001185075.2, NM_001185076.2, NM_001185081.2 and 1 more transcripts); short protein forms D63G.
Identifiers: ClinVar variation 1699508 (VCV001699508.3), dbSNP rs782202548, ClinGen allele CA10536069.